The following is an entry in ClinVar:

ClinVar aggregate classification (germline): Pathogenic. Review status: criteria provided, multiple submitters, no conflicts (2 of 4 stars). 2 submissions from 2 submitters: Pathogenic (2). Last evaluated 2026-01-06.

Conditions:
CHRNE-related disorder. Also called: CHRNE-related condition.
Congenital myasthenic syndrome 4A. Also called: Myasthenic syndrome, congenital, 4a, slow-channel; CONGENITAL MYASTHENIC SYNDROME TYPE Ia1; MYASTHENIC SYNDROME, CONGENITAL, 4A, SLOW-CHANNEL, AUTOSOMAL RECESSIVE. Identifiers: Orphanet 590, MedGen C4225413, MONDO:0011600, OMIM 605809.

Submissions (2):

3billion
Classification: Pathogenic for CHRNE-related disorder. Last evaluated: 2026-01-06. Review status: criteria provided, single submitter. Criteria: ACMG Guidelines, 2015. Collection method: clinical testing. Allele origin: germline. Affected: yes.
Comment: The variant is not observed in the gnomAD v4.1.0 dataset. Predicted Consequence/Location: Stop-gained (nonsense): predicted to result in a loss or disruption of normal protein function through nonsense-mediated decay (NMD) or protein truncation. Multiple pathogenic variants are reported downstream of the variant. The variant has been reported to be associated with CHRNE-related disorder (ClinVar ID: VCV002834823). Therefore, this variant is classified as Pathogenic according to the recommendation of ACMG/AMP guideline.

Labcorp Genetics (formerly Invitae), Labcorp
Classification: Pathogenic for Congenital myasthenic syndrome 4A. Last evaluated: 2023-02-05. Review status: criteria provided, single submitter. Criteria: Invitae Variant Classification Sherloc (09022015). Collection method: clinical testing. Allele origin: germline.
Comment: For these reasons, this variant has been classified as Pathogenic. This variant has not been reported in the literature in individuals affected with CHRNE-related conditions. This sequence change creates a premature translational stop signal (p.Glu23*) in the CHRNE gene. It is expected to result in an absent or disrupted protein product. Loss-of-function variants in CHRNE are known to be pathogenic (PMID: 22678886). This variant is not present in population databases (gnomAD no frequency).

Literature cited by the submitters: PubMed 22678886 (cited by Labcorp Genetics (formerly Invitae), Labcorp).

NM_000080.4(CHRNE):c.67G>T (p.Glu23Ter)

Genes: C17orf107 (chromosome 17 open reading frame 107; plus strand), CHRNE (cholinergic receptor nicotinic epsilon subunit; minus strand). Cytogenetic location: 17p13.2.
Variant type: single nucleotide variant.
Coding change: c.67G>T on transcript NM_000080.4 (MANE Select); coding-DNA position 67, G replaced by T.
Protein change: p.Glu23Ter; replaces glutamic acid 23 with a stop codon.
Molecular consequence: nonsense. On other transcripts: 3 prime UTR variant (1).
Genome position (GRCh38, 1-based): chr17:4,902,743, C>A on the plus strand (G>T on the coding strand, the complement: CHRNE is on the minus strand). VCF-style: chr17-4902743-C-A. GRCh37 (hg19) VCF-style: chr17-4806038-C-A.
Other names: c.*2210C>A (NM_001145536.2); short protein forms E23*.
Identifiers: ClinVar variation 2834823 (VCV002834823.4), dbSNP rs866487633, ClinGen allele CA397307940.